The following is an entry in ClinVar:

ClinVar aggregate classification (germline): Uncertain significance. Review status: criteria provided, multiple submitters, no conflicts (2 of 4 stars). 3 submissions from 3 submitters: Uncertain significance (3). Last evaluated 2026-09-15.

Conditions:
OTOF-related disorder. Also called: OTOF-related condition.

Allele frequency attached by ClinVar (database versions not stated): ExAC 0.00002.

Submissions (3):

PreventionGenetics, part of Exact Sciences
Classification: Uncertain significance for OTOF-related condition. Last evaluated: 2026-09-15. Review status: criteria provided, single submitter. Criteria: ACMG Guidelines, 2015. Collection method: clinical testing. Allele origin: germline.
Comment: The OTOF c.571C>T variant is predicted to result in the amino acid substitution p.Pro191Ser. To our knowledge, this variant has not been reported in the literature. This variant is reported in 0.014% of alleles in individuals of Latino descent in gnomAD. At this time, the clinical significance of this variant is uncertain due to the absence of conclusive functional and genetic evidence.

GeneDx
Classification: Uncertain significance. Last evaluated: 2023-06-21. Review status: criteria provided, single submitter. Criteria: GeneDx Variant Classification Process June 2021. Collection method: clinical testing. Allele origin: germline. Affected: yes.
Comment: In silico analysis supports that this missense variant does not alter protein structure/function; Has not been previously published as pathogenic or benign to our knowledge

Laboratory for Molecular Medicine, Mass General Brigham Personalized Medicine
Classification: Uncertain significance. Last evaluated: 2019-08-14. Review status: criteria provided, single submitter. Criteria: LMM Criteria. Collection method: clinical testing. Allele origin: germline. Observed: 1 variant allele.
Comment: The p.Pro191Ser variant in OTOF has not been previously reported in individuals with hearing loss, but has been identified in 0.01% (5/34592) of Latino chromosomes by gnomAD. Computational prediction tools and conservation analysis suggest that this variant may not impact the protein, though this information is not predictive enough to rule out pathogenicity. In summary, the clinical significance of this variant is uncertain. ACMG/AMP Criteria applied: PM2_Supporting, BP4.

NM_194248.3(OTOF):c.571C>T (p.Pro191Ser)

Genes: OTOF (otoferlin; minus strand), LOC129933336 (ATAC-STARR-seq lymphoblastoid silent region 11274; plus strand). Cytogenetic location: 2p23.3.
Variant type: single nucleotide variant.
Coding change: c.571C>T on transcript NM_194248.3 (MANE Select); coding-DNA position 571, C replaced by T.
Protein change: p.Pro191Ser; replaces proline 191 with serine.
Molecular consequence: missense variant.
Genome position (GRCh38, 1-based): chr2:26,503,784, G>A on the plus strand (C>T on the coding strand, the complement: OTOF is on the minus strand). VCF-style: chr2-26503784-G-A. GRCh37 (hg19) VCF-style: chr2-26726652-G-A.
Other names: c.571C>T, p.Pro191Ser (NM_001287489.2); c.571C>T (NM_194248.2); short protein forms P191S.
Identifiers: ClinVar variation 930088 (VCV000930088.6), dbSNP rs775692695, ClinGen allele CA1564605.